The following is an entry in ClinVar:

ClinVar aggregate classification (germline): Uncertain significance (1 of 4 stars; one submission).

Submission:

Labcorp Genetics (formerly Invitae), Labcorp
Classification: Uncertain significance. Last evaluated: 2025-08-03. Review status: criteria provided, single submitter. Criteria: Invitae Variant Classification Sherloc (09022015). Collection method: clinical testing. Allele origin: germline.
Comment: This sequence change replaces proline, which is neutral and non-polar, with threonine, which is neutral and polar, at codon 474 of the COL9A2 protein (p.Pro474Thr). This variant is not present in population databases (gnomAD no frequency). This variant has not been reported in the literature in individuals affected with COL9A2-related conditions. Invitae Evidence Modeling of protein sequence and biophysical properties (such as structural, functional, and spatial information, amino acid conservation, physicochemical variation, residue mobility, and thermodynamic stability) indicates that this missense variant is not expected to disrupt COL9A2 protein function with a negative predictive value of 95%. In summary, the available evidence is currently insufficient to determine the role of this variant in disease. Therefore, it has been classified as a Variant of Uncertain Significance.

NM_001852.4(COL9A2):c.1420C>A (p.Pro474Thr)

Gene: COL9A2 (collagen type IX alpha 2 chain; minus strand). Cytogenetic location: 1p34.2.
Variant type: single nucleotide variant.
Coding change: c.1420C>A on transcript NM_001852.4 (MANE Select); coding-DNA position 1420, C replaced by A.
Protein change: p.Pro474Thr; replaces proline 474 with threonine.
Molecular consequence: missense variant.
Genome position (GRCh38, 1-based): chr1:40,303,658, G>T on the plus strand (C>A on the coding strand, the complement: COL9A2 is on the minus strand). VCF-style: chr1-40303658-G-T. GRCh37 (hg19) VCF-style: chr1-40769330-G-T.
Other names: short protein forms P474T.
Identifiers: ClinVar variation 4799883 (VCV004799883.1).